The following is an entry in ClinVar:

ClinVar aggregate classification (germline): Uncertain significance. Review status: criteria provided, multiple submitters, no conflicts (2 of 4 stars). 3 submissions from 3 submitters: Uncertain significance (3). Last evaluated 2024-06-19.

Conditions:
Cardiovascular phenotype. Identifiers: MedGen CN230736.
Osteogenesis imperfecta type I (OI1). Also called: OI, TYPE I; OSTEOGENESIS IMPERFECTA TARDA; OSTEOGENESIS IMPERFECTA WITH BLUE SCLERAE; Osteogenesis imperfecta type 1; Lobstein's Disease; Lobstein disease. Identifiers: Orphanet 216796, Orphanet 666, MedGen C0023931, MONDO:0008146, OMIM 166200. Disease mechanism: loss of function.
Ehlers-Danlos syndrome, classic type, 1 (EDSCL1). Also called: EHLERS-DANLOS SYNDROME, GRAVIS TYPE; EHLERS-DANLOS SYNDROME, SEVERE CLASSIC TYPE; Ehlers-Danlos syndrome, type 1; EDS I; Ehlers-Danlos Syndrome, Classic Type, COL5A1-Related. Identifiers: MedGen C0268335, MONDO:0019567, OMIM 130000.

Allele frequency attached by ClinVar (database versions not stated): gnomAD 0.00001; gnomAD exomes 0.00001 and 0.00002; ExAC 0.00002.
gnomAD v4.1: 16 of 1,613,982 alleles (0.00099%); highest among the groups gnomAD compares: Non-Finnish European, 0.00093%; no homozygotes.

Submissions (3):

Labcorp Genetics (formerly Invitae), Labcorp
Classification: Uncertain significance for Osteogenesis imperfecta type I; Ehlers-Danlos syndrome, classic type, 1. Last evaluated: 2024-06-19. Review status: criteria provided, single submitter. Criteria: Invitae Variant Classification Sherloc (09022015). Collection method: clinical testing. Allele origin: germline.
Comment: This sequence change replaces proline, which is neutral and non-polar, with leucine, which is neutral and non-polar, at codon 110 of the COL1A2 protein (p.Pro110Leu). This variant is present in population databases (rs770180852, gnomAD 0.004%). This missense change has been observed in individual(s) with COL1A2-related conditions (PMID: 37079061). ClinVar contains an entry for this variant (Variation ID: 1307276). Advanced modeling of protein sequence and biophysical properties (such as structural, functional, and spatial information, amino acid conservation, physicochemical variation, residue mobility, and thermodynamic stability) performed at Invitae indicates that this missense variant is not expected to disrupt COL1A2 protein function with a negative predictive value of 80%. In summary, the available evidence is currently insufficient to determine the role of this variant in disease. Therefore, it has been classified as a Variant of Uncertain Significance.

Ambry Genetics
Classification: Uncertain significance for Cardiovascular phenotype. Last evaluated: 2024-05-31. Review status: criteria provided, single submitter. Criteria: Ambry Variant Classification Scheme 2023. Collection method: clinical testing. Allele origin: germline.
Comment: The p.P110L variant (also known as c.329C>T), located in coding exon 8 of the COL1A2 gene, results from a C to T substitution at nucleotide position 329. The proline at codon 110 is replaced by leucine, an amino acid with similar properties. This amino acid position is not well conserved in available vertebrate species. In addition, the in silico prediction for this alteration is inconclusive. Based on the available evidence, the clinical significance of this variant remains unclear.

GeneDx
Classification: Uncertain significance. Last evaluated: 2019-07-19. Review status: criteria provided, single submitter. Criteria: GeneDx Variant Classification Process June 2021. Collection method: clinical testing. Allele origin: germline. Affected: yes.
Comment: Has not been previously published as pathogenic or benign to our knowledge; Not observed at a significant frequency in large population cohorts (Lek et al., 2016); In silico analysis, which includes protein predictors and evolutionary conservation, supports a deleterious effect; Occurs in the triple helical domain at the X position in the canonical Gly-X-Y repeat. Although this variant may have an effect on normal protein folding and function, missense substitution at the X position is not a common mechanism of disease (Stenson et al., 2014)

Literature cited by the submitters: PubMed 37079061 (cited by Labcorp Genetics (formerly Invitae), Labcorp).

NM_000089.4(COL1A2):c.329C>T (p.Pro110Leu)

Gene: COL1A2 (collagen type I alpha 2 chain; plus strand). Cytogenetic location: 7q21.3.
Variant type: single nucleotide variant.
Coding change: c.329C>T on transcript NM_000089.4 (MANE Select); coding-DNA position 329, C replaced by T.
Protein change: p.Pro110Leu; replaces proline 110 with leucine.
Molecular consequence: missense variant.
Genome position (GRCh38, 1-based): chr7:94,404,697, C>T. VCF-style: chr7-94404697-C-T. GRCh37 (hg19) VCF-style: chr7-94034009-C-T.
Other names: short protein forms P110L.
Identifiers: ClinVar variation 1307276 (VCV001307276.9), dbSNP rs770180852, ClinGen allele CA4346632.